The following is an entry in ClinVar:

ClinVar aggregate classification (germline): Uncertain significance (1 of 4 stars; one submission).

Submission:

Mayo Clinic Laboratories, Mayo Clinic
Classification: Uncertain significance. Last evaluated: 2025-06-03. Review status: criteria provided, single submitter. Criteria: ACMG Guidelines, 2015. Collection method: clinical testing. Allele origin: germline. Observed: 1 variant allele.
Comment: BP4_moderate, PM2_supporting

NM_003126.4(SPTA1):c.4707C>G (p.Ser1569Arg)

Gene: SPTA1 (spectrin alpha, erythrocytic 1; minus strand). Cytogenetic location: 1q23.1.
Variant type: single nucleotide variant.
Coding change: c.4707C>G on transcript NM_003126.4 (MANE Select); coding-DNA position 4707, C replaced by G.
Protein change: p.Ser1569Arg; replaces serine 1569 with arginine.
Molecular consequence: missense variant.
Genome position (GRCh38, 1-based): chr1:158,642,441, G>C on the plus strand (C>G on the coding strand, the complement: SPTA1 is on the minus strand). VCF-style: chr1-158642441-G-C. GRCh37 (hg19) VCF-style: chr1-158612231-G-C.
Other names: p.Ser1569Arg; short protein forms S1569R.
Identifiers: ClinVar variation 4541664 (VCV004541664.1).
Genomic context (GRCh38, chr1:158,642,441, plus strand): 5'-TTGTAGCCCAAAACTCATCCTGAGCTTTACCTTCATGGCCTCTTCATTGCCATCACAAGC[G>C]CTACACTCAATCAGGGAGTTCCCCAGGTTGATGACGCCATGCACCTGCTCAGATCGGCCA-3'
Protein context (NP_003117.2, residues 1559-1579): INLGNSLIEC[Ser1569Arg]ACDGNEEAMK